The following is an entry in ClinVar:

ClinVar aggregate classification (germline): Pathogenic (1 of 4 stars; one submission).

Conditions:
Autosomal recessive nonsyndromic hearing loss 4 (DFNB4). Also called: Deafness, autosomal recessive 4; FOXI1-Related Pendred Syndrome; KCNJ10-Related Pendred Syndrome; DEAFNESS, AUTOSOMAL RECESSIVE 4, WITH ENLARGED VESTIBULAR AQUEDUCT, DIGENIC; NEUROSENSORY NONSYNDROMIC RECESSIVE DEAFNESS 4; Nonsyndromic enlarged vestibular aqueduct (NSEVA). Identifiers: Orphanet 90636, MedGen C3538946, MONDO:0010933, OMIM 600791.

Submission:

Institute of Rare Diseases, West China Hospital, Sichuan University
Classification: Pathogenic for Autosomal recessive nonsyndromic hearing loss 4. Last evaluated: 2025-01-09. Review status: criteria provided, single submitter. Criteria: ClinGen HL ACMG Specifications v1. Collection method: research. Allele origin: germline. Affected: yes.
Comment: PP3;PM3_VeryStrong;PM2_Supporting

NM_000441.2(SLC26A4):c.765+4A>G

Gene: SLC26A4 (solute carrier family 26 member 4; plus strand). Cytogenetic location: 7q22.3.
Variant type: single nucleotide variant.
Coding change: c.765+4A>G on transcript NM_000441.2 (MANE Select); 4 bases into the intron after coding-DNA position 765, A replaced by G.
Molecular consequence: intron variant.
Genome position (GRCh38, 1-based): chr7:107,675,113, A>G. VCF-style: chr7-107675113-A-G. GRCh37 (hg19) VCF-style: chr7-107315558-A-G.
Identifiers: ClinVar variation 3601781 (VCV003601781.1).
Genomic context (GRCh38, chr7:107,675,113, plus strand): 5'-AAGATTGTCCTCAATGTTTCAACCAAAAACTACAATGGAGTTCTCTCTATTATCTATGTA[A>G]GTGTTGCTTCTTGCTCCAGGGATGGGTCACTGTTCATTCCAGAAACAATTGTATTCATTC-3'